The following is an entry in ClinVar:

NM_001330078.2(NRXN1):c.2120A>C (p.Tyr707Ser)

Gene: NRXN1 (neurexin 1; minus strand). Cytogenetic location: 2p16.3.
Variant type: single nucleotide variant.
Coding change: c.2120A>C on transcript NM_001330078.2 (MANE Select); coding-DNA position 2120, A replaced by C.
Protein change: p.Tyr707Ser; replaces tyrosine 707 with serine.
Molecular consequence: missense variant.
Genome position (GRCh38, 1-based): chr2:50,538,276, T>G on the plus strand (A>C on the coding strand, the complement: NRXN1 is on the minus strand). VCF-style: chr2-50538276-T-G. GRCh37 (hg19) VCF-style: chr2-50765414-T-G.
Other names: c.2240A>C, p.Tyr747Ser (NM_001135659.3); c.2096A>C, p.Tyr699Ser (NM_001330077.2, NM_001330082.2, NM_001330095.2); c.2081A>C, p.Tyr694Ser (NM_001330083.2, NM_001330084.2); c.2120A>C, p.Tyr707Ser (NM_001330085.2, NM_001330086.2, NM_004801.6); c.2036A>C, p.Tyr679Ser (NM_001330087.2, NM_001330096.2); c.2066A>C, p.Tyr689Ser (NM_001330088.2); c.2117A>C, p.Tyr706Ser (NM_001330093.2); c.2108A>C, p.Tyr703Ser (NM_001330094.2); short protein forms Y747S, Y679S, Y689S, Y703S, Y706S, Y707S, Y694S, Y699S.
Identifiers: ClinVar variation 426948 (VCV000426948.16), dbSNP rs752073539, ClinGen allele CA1654927.
Genomic context (GRCh38, chr2:50,538,276, plus strand): 5'-TCTCAGGGAGTTGGCTGCTGGGGTTTTAGAATCCTACCTCTCTCACAGGACCTGCCAAGA[T>G]AGCCTGTTCCGGAACAATCACAGACATATCTGTTCCACCCATCCCTGCACATGCCATTGT-3'
Protein context (NP_001317007.1, residues 697-717): RYVCDCSGTG[Tyr707Ser]LGRSCEREAT

ClinVar aggregate classification (germline): Uncertain significance. Review status: criteria provided, multiple submitters, no conflicts (2 of 4 stars). 3 submissions from 3 submitters: Uncertain significance (3). Last evaluated 2025-06-23.

Conditions:
Pitt-Hopkins-like syndrome 2 (PTHSL2). Identifiers: Orphanet 221150, Orphanet 600663, MedGen C3280479, MONDO:0013690, OMIM 614325.

Allele frequency attached by ClinVar (database versions not stated): ExAC 0.00001; gnomAD 0.00001; gnomAD exomes 0.00001; TOPMed 0.00002.
gnomAD v4.1: 20 of 1,612,370 alleles (0.0012%); highest among the groups gnomAD compares: Non-Finnish European, 0.0017%; no homozygotes.

Submissions (3):

Labcorp Genetics (formerly Invitae), Labcorp
Classification: Uncertain significance for Pitt-Hopkins-like syndrome 2. Last evaluated: 2025-06-23. Review status: criteria provided, single submitter. Criteria: Invitae Variant Classification Sherloc (09022015). Collection method: clinical testing. Allele origin: germline.
Comment: This sequence change replaces tyrosine, which is neutral and polar, with serine, which is neutral and polar, at codon 747 of the NRXN1 protein (p.Tyr747Ser). This variant is present in population databases (rs752073539, gnomAD 0.005%). This variant has not been reported in the literature in individuals affected with NRXN1-related conditions. ClinVar contains an entry for this variant (Variation ID: 426948). An algorithm developed to predict the effect of missense changes on protein structure and function (PolyPhen-2) suggests that this variant is likely to be disruptive. In summary, the available evidence is currently insufficient to determine the role of this variant in disease. Therefore, it has been classified as a Variant of Uncertain Significance.

GeneDx
Classification: Uncertain significance. Last evaluated: 2019-10-21. Review status: criteria provided, single submitter. Criteria: GeneDx Variant Classification Process June 2021. Collection method: clinical testing. Allele origin: germline. Affected: yes.
Comment: In silico analysis, which includes protein predictors and evolutionary conservation, supports a deleterious effect; Has not been previously published as pathogenic or benign to our knowledge

Illumina Laboratory Services, Illumina
Classification: Uncertain significance for Pitt-Hopkins-like syndrome 2. Last evaluated: 2018-01-12. Review status: criteria provided, single submitter. Criteria: ICSL Variant Classification Criteria 13 December 2019. Collection method: clinical testing. Allele origin: germline.